The following is an entry in ClinVar:

ClinVar aggregate classification (germline): Uncertain significance (1 of 4 stars; one submission).

Conditions:
Cystinuria (CSNU). Also called: CYSTINURIA, TYPE I; CYSTINURIA, TYPE II; CYSTINURIA, TYPE III; Cystinuria, non-type I. Identifiers: Orphanet 214, MedGen C0010691, MONDO:0009067, OMIM 220100, HP:0003131.

Allele frequency attached by ClinVar (database versions not stated): ExAC 0.00001; TOPMed 0.00005; gnomAD 0.00001; ESP Exome Variant Server 0.00008; gnomAD exomes 0.00001.
gnomAD v4.1: 12 of 1,613,936 alleles (0.00074%); highest among the groups gnomAD compares: African/African-American, 0.008%; no homozygotes.

Submission:

Labcorp Genetics (formerly Invitae), Labcorp
Classification: Uncertain significance for Cystinuria. Last evaluated: 2023-03-12. Review status: criteria provided, single submitter. Criteria: Invitae Variant Classification Sherloc (09022015). Collection method: clinical testing. Allele origin: germline.
Comment: ClinVar contains an entry for this variant (Variation ID: 2038909). This missense change has been observed in individual(s) with clinical features of cystinuria (Invitae). This variant is present in population databases (rs368197454, gnomAD 0.007%). This sequence change replaces leucine, which is neutral and non-polar, with valine, which is neutral and non-polar, at codon 413 of the SLC3A1 protein (p.Leu413Val). Advanced modeling of protein sequence and biophysical properties (such as structural, functional, and spatial information, amino acid conservation, physicochemical variation, residue mobility, and thermodynamic stability) has been performed at Invitae for this missense variant, however the output from this modeling did not meet the statistical confidence thresholds required to predict the impact of this variant on SLC3A1 protein function. In summary, the available evidence is currently insufficient to determine the role of this variant in disease. Therefore, it has been classified as a Variant of Uncertain Significance.

NM_000341.4(SLC3A1):c.1237C>G (p.Leu413Val)

Gene: SLC3A1 (solute carrier family 3 member 1; plus strand). Cytogenetic location: 2p21.
Variant type: single nucleotide variant.
Coding change: c.1237C>G on transcript NM_000341.4 (MANE Select); coding-DNA position 1237, C replaced by G.
Protein change: p.Leu413Val; replaces leucine 413 with valine.
Molecular consequence: missense variant.
Genome position (GRCh38, 1-based): chr2:44,304,243, C>G. VCF-style: chr2-44304243-C-G. GRCh37 (hg19) VCF-style: chr2-44531382-C-G.
Other names: short protein forms L413V.
Identifiers: ClinVar variation 2038909 (VCV002038909.4), dbSNP rs368197454, ClinGen allele CA1640492.